The following is an entry in ClinVar:

NM_000260.4(MYO7A):c.3315C>A (p.Ser1105Arg)

Gene: MYO7A (myosin VIIA; plus strand). Cytogenetic location: 11q13.5.
Variant type: single nucleotide variant.
Coding change: c.3315C>A on transcript NM_000260.4 (MANE Select); coding-DNA position 3315, C replaced by A.
Protein change: p.Ser1105Arg; replaces serine 1105 with arginine.
Molecular consequence: missense variant.
Genome position (GRCh38, 1-based): chr11:77,183,097, C>A. VCF-style: chr11-77183097-C-A. GRCh37 (hg19) VCF-style: chr11-76894142-C-A.
Other names: c.3315C>A, p.Ser1105Arg (NM_001127180.2); c.3282C>A, p.Ser1094Arg (NM_001369365.1); short protein forms S1094R, S1105R.
Identifiers: ClinVar variation 3376764 (VCV003376764.1).

ClinVar aggregate classification (germline): Uncertain significance (1 of 4 stars; one submission).

Conditions:
Autosomal dominant nonsyndromic hearing loss 11. Identifiers: Orphanet 90635, MedGen C1832475, MONDO:0011032, OMIM 601317.

Submission:

Victorian Clinical Genetics Services, Murdoch Childrens Research Institute
Classification: Uncertain significance for Autosomal dominant nonsyndromic hearing loss 11. Last evaluated: 2023-07-16. Review status: criteria provided, single submitter. Criteria: ACMG Guidelines, 2015. Collection method: clinical testing. Allele origin: germline. Inheritance: Autosomal dominant inheritance. Affected: yes.
Comment: Based on the classification scheme VCGS_Germline_v1.3.4, this variant is classified as VUS-3C. 0102 - Loss of function is a known mechanism of disease in this gene and is associated with deafness autosomal dominant 11 (MIM#601317), deafness autosomal recessive 2 (MIM#600060) and Usher syndrome, type 1B (MIM#276900). In addition, dominant negative is the suggested mechanism for missense variants in autosomal dominant inheritance (OMIM, PMID: 23383098). (I) 0108 - This gene is associated with both recessive and dominant disease. While the genotype-phenotype correlation is unestablished, missense variants causing autosomal dominant inheritance are rare and are not localised to a specific protein region (OMIM). (I) 0200 - Variant is predicted to result in a missense amino acid change from serine to arginine. (I) 0251 - This variant is heterozygous. (I) 0301 - Variant is absent from gnomAD (both v2 and v3). (SP) 0504 - Same amino acid change has been observed in placental mammals. (SB) 0604 - Variant is not located in an established domain, motif, hotspot or informative constraint region. (I) 0705 - No comparable missense variants have previous evidence for pathogenicity. (I) 0807 - This variant has no previous evidence of pathogenicity. (I) 0905 - No published segregation evidence has been identified for this variant. (I) 1007 - No published functional evidence has been identified for this variant. (I) 1208 - Inheritance information for this variant is not currently available in this individual. (I) Legend: (SP) - Supporting pathogenic, (I) - Information, (SB) - Supporting benign

Literature cited by the submitters: PubMed 23383098.